The following is an entry in ClinVar:

NM_000238.4(KCNH2):c.2960del (p.Leu987fs)

Gene: KCNH2 (potassium voltage-gated channel subfamily H member 2; minus strand). Cytogenetic location: 7q36.1.
Variant type: Deletion.
Coding change: c.2960del on transcript NM_000238.4 (MANE Select); coding-DNA position 2960, one base deleted (T; older notation c.2960delT).
Protein change: p.Leu987fs; shifts the reading frame from leucine 987.
Molecular consequence: frameshift variant.
Genome position (GRCh38, 1-based): chr7:150,947,611, A deleted on the plus strand (T on the coding strand, the reverse complement: KCNH2 is on the minus strand). VCF-style (leftmost placement, unchanged base first): chr7-150947610-CA-C. GRCh37 (hg19) VCF-style: chr7-150644698-CA-C.
Other names: c.1940del, p.Leu647fs (NM_172057.3); short protein forms L647fs, L987fs.
Identifiers: ClinVar variation 943648 (VCV000943648.9), dbSNP rs1800955789, ClinGen allele CA1139660334.
Genomic context (GRCh38, chr7:150,947,610, plus strand): 5'-GACGCACCACCGCTGCCACGCCCGGTCCTCCCTCGCCCGCCCGTCGCCCGGGATACCTGA[CA>C]GGGGGTTGCAAGTGTCGCTGCTCTTCTCGCAGTCCTCCATCAGGGGCTCCCCACCCGGCG-3'

ClinVar aggregate classification (germline): Pathogenic (1 of 4 stars; one submission).

Conditions:
Long QT syndrome (LQTS). Identifiers: MedGen C0023976, MeSH D008133, MONDO:0002442. Disease mechanism: loss of function. Inheritance: Various modes of inheritance.

Submission:

Labcorp Genetics (formerly Invitae), Labcorp
Classification: Pathogenic for Long QT syndrome. Last evaluated: 2023-10-18. Review status: criteria provided, single submitter. Criteria: Invitae Variant Classification Sherloc (09022015). Collection method: clinical testing. Allele origin: germline.
Comment: This sequence change creates a premature translational stop signal (p.Leu987Argfs*70) in the KCNH2 gene. It is expected to result in an absent or disrupted protein product. Loss-of-function variants in KCNH2 are known to be pathogenic (PMID: 10973849, 19862833). This variant is not present in population databases (gnomAD no frequency). This premature translational stop signal has been observed in individual(s) with clinical features of long QT syndrome (PMID: 26675252). ClinVar contains an entry for this variant (Variation ID: 943648). For these reasons, this variant has been classified as Pathogenic.

Literature cited by the submitters: PubMed 10973849; PubMed 19862833; PubMed 26675252.